The following is an entry in ClinVar:

ClinVar aggregate classification (germline): Uncertain significance. Review status: criteria provided, multiple submitters, no conflicts (2 of 4 stars). 4 submissions from 4 submitters: Uncertain significance (4). Last evaluated 2025-11-26.

Conditions:
POT1-related disorder. Also called: POT1-related condition.
Tumor predisposition syndrome 3 (TPDS3). Also called: Melanoma, cutaneous malignant, susceptibility to, 10; LONG TELOMERE SYNDROME, POT1-RELATED; POT1 Tumor Predisposition; Glioma susceptibility 9. Identifiers: Orphanet 618, MedGen C4014476, MONDO:0014368, OMIM 615848.
Hereditary cancer-predisposing syndrome. Also called: Tumor predisposition; Neoplastic Syndromes, Hereditary; Hereditary neoplastic syndrome; Hereditary Cancer Syndrome. Identifiers: Orphanet 140162, MedGen C0027672, MeSH D009386, MONDO:0015356.

Allele frequency attached by ClinVar (database versions not stated): ExAC 0.00001; gnomAD exomes 0.00002; gnomAD 0.00003 and 0.00004; TOPMed 0.00006.
gnomAD v4.1: 13 of 1,613,896 alleles (0.00081%); highest among the groups gnomAD compares: African/African-American, 0.0053%; no homozygotes.

Submissions (4):

Labcorp Genetics (formerly Invitae), Labcorp
Classification: Uncertain significance for Tumor predisposition syndrome 3. Last evaluated: 2025-11-26. Review status: criteria provided, single submitter. Criteria: Invitae Variant Classification Sherloc (09022015). Collection method: clinical testing. Allele origin: germline.
Comment: This sequence change replaces isoleucine, which is neutral and non-polar, with methionine, which is neutral and non-polar, at codon 494 of the POT1 protein (p.Ile494Met). This variant is present in population databases (rs764303246, gnomAD 0.007%). This variant has not been reported in the literature in individuals affected with POT1-related conditions. ClinVar contains an entry for this variant (Variation ID: 576671). Invitae Evidence Modeling of protein sequence and biophysical properties (such as structural, functional, and spatial information, amino acid conservation, physicochemical variation, residue mobility, and thermodynamic stability) indicates that this missense variant is not expected to disrupt POT1 protein function with a negative predictive value of 80%. In summary, the available evidence is currently insufficient to determine the role of this variant in disease. Therefore, it has been classified as a Variant of Uncertain Significance.

Ambry Genetics
Classification: Uncertain significance for Hereditary cancer-predisposing syndrome. Last evaluated: 2025-11-24. Review status: criteria provided, single submitter. Criteria: Ambry Variant Classification Scheme 2023. Collection method: clinical testing. Allele origin: germline.
Comment: The p.I494M variant (also known as c.1482A>G), located in coding exon 11 of the POT1 gene, results from an A to G substitution at nucleotide position 1482. The isoleucine at codon 494 is replaced by methionine, an amino acid with highly similar properties. This amino acid position is well conserved in available vertebrate species. In addition, this alteration is predicted to be tolerated by in silico analysis. Since supporting evidence is limited at this time, the clinical significance of this alteration remains unclear.

PreventionGenetics, part of Exact Sciences
Classification: Uncertain significance for POT1-related condition. Last evaluated: 2022-10-12. Review status: criteria provided, single submitter. Criteria: ACMG Guidelines, 2015. Collection method: clinical testing. Allele origin: germline.
Comment: The POT1 c.1482A>G variant is predicted to result in the amino acid substitution p.Ile494Met. To our knowledge, this variant has not been reported in the literature. This variant is reported in 0.0062% of alleles in individuals of African descent in gnomAD. At this time, the clinical significance of this variant is uncertain due to the absence of conclusive functional and genetic evidence.

GeneDx
Classification: Uncertain significance. Last evaluated: 2022-04-26. Review status: criteria provided, single submitter. Criteria: GeneDx Variant Classification Process June 2021. Collection method: clinical testing. Allele origin: germline. Affected: yes.
Comment: Not observed at significant frequency in large population cohorts (gnomAD); In silico analysis supports that this missense variant does not alter protein structure/function; Has not been previously published as pathogenic or benign to our knowledge; This variant is associated with the following publications: (PMID: 28393830)

NM_015450.3(POT1):c.1482A>G (p.Ile494Met)

Gene: POT1 (protection of telomeres 1; minus strand). Cytogenetic location: 7q31.33.
Variant type: single nucleotide variant.
Coding change: c.1482A>G on transcript NM_015450.3 (MANE Select); coding-DNA position 1482, A replaced by G.
Protein change: p.Ile494Met; replaces isoleucine 494 with methionine.
Molecular consequence: missense variant. On other transcripts: non-coding transcript variant (3).
Genome position (GRCh38, 1-based): chr7:124,835,302, T>C on the plus strand (A>G on the coding strand, the complement: POT1 is on the minus strand). VCF-style: chr7-124835302-T-C. GRCh37 (hg19) VCF-style: chr7-124475356-T-C.
Other names: c.1089A>G, p.Ile363Met (NM_001042594.2); short protein forms I494M, I363M.
Identifiers: ClinVar variation 576671 (VCV000576671.17), dbSNP rs764303246, ClinGen allele CA4465111.
Genomic context (GRCh38, chr7:124,835,302, plus strand): 5'-TAAACAAAACAAAACAAAACAAAACAAAACAAAATACCCATAGTGATGTATTGTTCCTTG[T>C]ATAAGAAATGGTGCTGAAAGGTCCAAAAGTTCCAGGTCTTCGTGGCCAGATCTCACAGGA-3'
Protein context (NP_056265.2, residues 484-504): ELLDLSAPFL[Ile494Met]QGTIHHYGCK